The following is an entry in ClinVar:

ClinVar aggregate classification (germline): Uncertain significance (1 of 4 stars; one submission).

Allele frequency attached by ClinVar (database versions not stated): gnomAD exomes 0.00001; TOPMed 0.00001; gnomAD 0.00002; ExAC 0.00004.
gnomAD v4.1: 20 of 1,613,900 alleles (0.0012%); highest among the groups gnomAD compares: East Asian, 0.0045%; no homozygotes.

Submission:

Labcorp Genetics (formerly Invitae), Labcorp
Classification: Uncertain significance. Last evaluated: 2022-03-01. Review status: criteria provided, single submitter. Criteria: Invitae Variant Classification Sherloc (09022015). Collection method: clinical testing. Allele origin: germline.
Comment: This sequence change replaces proline, which is neutral and non-polar, with leucine, which is neutral and non-polar, at codon 669 of the LAMB1 protein (p.Pro669Leu). This variant is present in population databases (rs778430498, gnomAD 0.005%). This variant has not been reported in the literature in individuals affected with LAMB1-related conditions. Algorithms developed to predict the effect of missense changes on protein structure and function (SIFT, PolyPhen-2, Align-GVGD) all suggest that this variant is likely to be disruptive. In summary, the available evidence is currently insufficient to determine the role of this variant in disease. Therefore, it has been classified as a Variant of Uncertain Significance.

NM_002291.3(LAMB1):c.2006C>T (p.Pro669Leu)

Gene: LAMB1 (laminin subunit beta 1; minus strand). Cytogenetic location: 7q31.1.
Variant type: single nucleotide variant.
Coding change: c.2006C>T on transcript NM_002291.3 (MANE Select); coding-DNA position 2006, C replaced by T.
Protein change: p.Pro669Leu; replaces proline 669 with leucine.
Molecular consequence: missense variant.
Genome position (GRCh38, 1-based): chr7:107,961,309, G>A on the plus strand (C>T on the coding strand, the complement: LAMB1 is on the minus strand). VCF-style: chr7-107961309-G-A. GRCh37 (hg19) VCF-style: chr7-107601754-G-A.
Other names: short protein forms P669L.
Identifiers: ClinVar variation 2069240 (VCV002069240.1), dbSNP rs778430498, ClinGen allele CA4435780.
Genomic context (GRCh38, chr7:107,961,309, plus strand): 5'-GAGGTGTACTGAGGCAGCTCCAACCTCACCGTGTAGTTTGTTCCCTTCTCAAAGCACACC[G>A]GCCGAGGAAGGACGACATATCTGCCCCCAAACAAAAAAGAAAGACAACAACGAAAGTCAA-3'
Protein context (NP_002282.2, residues 659-679): PGSRYVVLPR[Pro669Leu]VCFEKGTNYT